The following is an entry in ClinVar:

NM_000553.6(WRN):c.2131C>T (p.Arg711Trp)

Gene: WRN (WRN RecQ like helicase; plus strand). Cytogenetic location: 8p12.
Variant type: single nucleotide variant.
Coding change: c.2131C>T on transcript NM_000553.6 (MANE Select); coding-DNA position 2131, C replaced by T.
Protein change: p.Arg711Trp; replaces arginine 711 with tryptophan.
Molecular consequence: missense variant.
Genome position (GRCh38, 1-based): chr8:31,111,657, C>T. VCF-style: chr8-31111657-C-T. GRCh37 (hg19) VCF-style: chr8-30969173-C-T.
Other names: short protein forms R711W.
Identifiers: ClinVar variation 238136 (VCV000238136.21), dbSNP rs34560788, ClinGen allele CA4704654.

ClinVar aggregate classification (germline): Conflicting classifications of pathogenicity. Review status: criteria provided, conflicting classifications (1 of 4 stars). 4 submissions from 4 submitters: Uncertain significance (3); Likely benign (1). Last evaluated 2026-01-14.

Conditions:
WRN-related disorder. Also called: WRN-related condition.
Werner syndrome (WRN). Identifiers: Orphanet 902, MedGen C0043119, MONDO:0010196, OMIM 277700.

Allele frequency attached by ClinVar (database versions not stated): gnomAD exomes 0.00039 and 0.00023; ExAC 0.00022; 1000 Genomes Project 30x 0.00031; ESP Exome Variant Server 0.00031; gnomAD 0.00017 and 0.00018; TOPMed 0.00018.
gnomAD v4.1: 586 of 1,613,936 alleles (0.036%); highest among the groups gnomAD compares: Non-Finnish European, 0.047%; no homozygotes.

Submissions (4):

Labcorp Genetics (formerly Invitae), Labcorp
Classification: Likely benign for Werner syndrome. Last evaluated: 2026-01-14. Review status: criteria provided, single submitter. Criteria: Invitae Variant Classification Sherloc (09022015). Collection method: clinical testing. Allele origin: germline.

PreventionGenetics, part of Exact Sciences
Classification: Uncertain significance for WRN-related condition. Last evaluated: 2024-12-06. Review status: criteria provided, single submitter. Criteria: ACMG Guidelines, 2015. Collection method: clinical testing. Allele origin: germline.
Comment: The WRN c.2131C>T variant is predicted to result in the amino acid substitution p.Arg711Trp. This variant was reported in a cohort study of patients with dyslipidemia and other metabolic phenotypes (Table S4, Dron et al. 2020. PubMed ID: 32041611). This variant is reported in 0.040% of alleles in individuals of European (Non-Finnish) descent in gnomAD and has conflicting interpretations regarding its pathogenicity in ClinVar, ranging from likely benign to uncertain. At this time, the clinical significance of this variant is uncertain due to the absence of conclusive functional and genetic evidence.

Institute for Clinical Genetics, University Hospital TU Dresden, University Hospital TU Dresden
Classification: Uncertain significance. Last evaluated: 2021-11-03. Review status: criteria provided, single submitter. Criteria: ACMG Guidelines, 2015. Collection method: clinical testing. Allele origin: germline.

Genetic Services Laboratory, University of Chicago
Classification: Uncertain significance. Last evaluated: 2021-10-19. Review status: criteria provided, single submitter. Criteria: ACMG Guidelines, 2015. Collection method: clinical testing. Allele origin: germline. Affected: no.
Comment: DNA sequence analysis of the WRN gene demonstrated a sequence change, c.2131C>T, in exon 19 that results in an amino acid change, p.Arg711Trp. This sequence change does not appear to have been previously described in individuals with WRN-related disorders. This sequence change has been described in the gnomAD database with a low frequency of 0.040% in the non-Finnish European subpopulation (dbSNP rs34560788). The p.Arg711Trp change affects a highly conserved amino acid residue located in a domain of the WRN protein that is known to be functional. In-silico pathogenicity prediction tools (SIFT, PolyPhen2, Align GVGD, REVEL) provide contradictory results for the p.Arg711Trp substitution. Due to insufficient evidence and the lack of functional studies, the clinical significance of the p.Arg711Trp change remains unknown at this time.